The following is an entry in ClinVar:

NM_003482.4(KMT2D):c.16391_16392insAG (p.Leu5465fs)

Gene: KMT2D (lysine methyltransferase 2D; minus strand). Cytogenetic location: 12q13.12.
Variant type: Insertion.
Coding change: c.16391_16392insAG on transcript NM_003482.4 (MANE Select); coding-DNA positions 16391 to 16392, AG inserted.
Protein change: p.Leu5465fs; shifts the reading frame from leucine 5465.
Molecular consequence: frameshift variant.
Genome position: GRCh38 VCF-style: chr12-49022300-C-CCT. GRCh37 (hg19) VCF-style: chr12-49416083-C-CCT.
Other names: short protein forms L5465fs.
Identifiers: ClinVar variation 1809767 (VCV001809767.1), dbSNP rs2499024405, ClinGen allele CA2580085584.
Genomic context (GRCh38, chr12:49,022,300, plus strand): 5'-TCAGGGACCACTAAATCCCTCCTTCCTCGTCATCTCTCACCTGGCAGGGCCGCCGGTCAA[C>CCT]GTAGCATCAATCACATGTTCATTGTTTATTCGGAACATGTAGATGCCTCGATTCTAGAAA-3'

ClinVar aggregate classification (germline): Pathogenic (1 of 4 stars; one submission).

Submission:

Athena Diagnostics
Classification: Pathogenic. Last evaluated: 2020-10-16. Review status: criteria provided, single submitter. Criteria: Athena Diagnostics Criteria. Collection method: clinical testing. Allele origin: unknown.
Comment: KMT2D frameshift variants are known to be pathogenic and multiple frameshift variants in this region have been reported in Kabuki syndrome 1 patients (PMID: 21671394). This variant has not been reported in large, multi-ethnic general populations. This observation is not an independent occurrence and has been identified in the same individual by RCIGM, the other laboratory participating in the GEMINI study.